The following is an entry in ClinVar:

NM_006261.5(PROP1):c.471C>G (p.Tyr157Ter)

Gene: PROP1 (PROP paired-like homeobox 1; minus strand). Cytogenetic location: 5q35.3.
Variant type: single nucleotide variant.
Coding change: c.471C>G on transcript NM_006261.5 (MANE Select); coding-DNA position 471, C replaced by G.
Protein change: p.Tyr157Ter; replaces tyrosine 157 with a stop codon.
Molecular consequence: nonsense.
Genome position (GRCh38, 1-based): chr5:177,992,919, G>C on the plus strand (C>G on the coding strand, the complement: PROP1 is on the minus strand). VCF-style: chr5-177992919-G-C. GRCh37 (hg19) VCF-style: chr5-177419920-G-C.
Other names: short protein forms Y157*.
Identifiers: ClinVar variation 1323498 (VCV001323498.4), dbSNP rs145883811, ClinGen allele CA3587520.
Genomic context (GRCh38, chr5:177,992,919, plus strand): 5'-GGAAGGGAGGGCATGGCTGTAGGGGTGAGGGAAGCAGGTCACTGGTGGTGGTGGTGCTGC[G>C]TAAGAATAGGGGCAAGCAGTGGACTCTGGCAAGAAGCTGGAAAAGGCGGCAGGAGACAGA-3'

ClinVar aggregate classification (germline): Conflicting classifications of pathogenicity. Review status: criteria provided, conflicting classifications (1 of 4 stars). 2 submissions from 2 submitters: Likely pathogenic (1); Uncertain significance (1). Last evaluated 2025-01-14.

Conditions:
Pituitary hormone deficiency, combined, 2. Also called: PITUITARY DWARFISM III; ATELIOTIC DWARFISM WITH HYPOGONADISM; HANHART DWARFISM; PROP1-Related Combined Pituitary Hormone Deficiency. Identifiers: MedGen C0878683, MONDO:0009878, OMIM 262600.

Submissions (2):

Natera, Inc.
Classification: Likely pathogenic for Combined pituitary hormone deficiency type 2. Last evaluated: 2025-01-14. Review status: criteria provided, single submitter. Criteria: Natera Variant Classification Schema (03/2026). Collection method: clinical testing. Allele origin: germline.
Comment: The c.471C>G variant in PROP1 is a nonsense variant predicted to introduce a stop codon at amino acid 157. This variant is expected to result in nonsense mediated decay, truncation, or a dysfunctional protein product. This variant is rare in the general population with a frequency below the threshold expected for the associated phenotype(s). Given the available evidence, this variant is classified as Likely Pathogenic.

Labcorp Genetics (formerly Invitae), Labcorp
Classification: Uncertain significance. Last evaluated: 2022-09-13. Review status: criteria provided, single submitter. Criteria: Invitae Variant Classification Sherloc (09022015). Collection method: clinical testing. Allele origin: germline.
Comment: This sequence change creates a premature translational stop signal (p.Tyr157*) in the PROP1 gene. While this is not anticipated to result in nonsense mediated decay, it is expected to disrupt the last 70 amino acid(s) of the PROP1 protein. This variant is present in population databases (rs145883811, gnomAD 0.006%). This variant has not been reported in the literature in individuals affected with PROP1-related conditions. ClinVar contains an entry for this variant (Variation ID: 1323498). Experimental studies and prediction algorithms are not available or were not evaluated, and the functional significance of this variant is currently unknown. Algorithms developed to predict the effect of sequence changes on RNA splicing suggest that this variant may create or strengthen a splice site. In summary, the available evidence is currently insufficient to determine the role of this variant in disease. Therefore, it has been classified as a Variant of Uncertain Significance.